The following is an entry in ClinVar:

NM_000245.4(MET):c.3340+8G>A

Gene: MET (MET proto-oncogene, receptor tyrosine kinase; plus strand). Cytogenetic location: 7q31.2.
Variant type: single nucleotide variant.
Coding change: c.3340+8G>A on transcript NM_000245.4 (MANE Select); 8 bases into the intron after coding-DNA position 3340, G replaced by A.
Molecular consequence: intron variant.
Genome position (GRCh38, 1-based): chr7:116,777,477, G>A. VCF-style: chr7-116777477-G-A. GRCh37 (hg19) VCF-style: chr7-116417531-G-A.
Other names: c.3394+8G>A (NM_001127500.2, NM_001127500.3); c.2050+8G>A (NM_001324402.2).
Identifiers: ClinVar variation 1118334 (VCV001118334.11), dbSNP rs541156628, ClinGen allele CA4448695.
Genomic context (GRCh38, chr7:116,777,477, plus strand): 5'-TTTGTTGGACAATGATGGCAAGAAAATTCACTGTGCTGTGAAATCCTTGAACAGTAAGTG[G>A]CATTTTATTTAACCATGGAGTATACTTTTGTGGTTTGCAACCTAATAAATAGCTTATAAT-3'

ClinVar aggregate classification (germline): Likely benign. Review status: criteria provided, multiple submitters, no conflicts (2 of 4 stars). 3 submissions from 3 submitters: Likely benign (3). Last evaluated 2026-01-12.

Conditions:
Papillary renal cell carcinoma type 1 (RCCP1). Also called: Renal adenocarcinoma; Renal cell carcinoma 1; Renal cell carcinoma, somatic; RENAL CELL CARCINOMA, PAPILLARY, 1, SOMATIC. Identifiers: Orphanet 47044, MedGen C1336839, OMIM 605074, HP:0011797.
Renal cell carcinoma. Identifiers: Orphanet 217071, MedGen C0007134, MeSH D002292, MONDO:0005086, HP:0005584.
MET-related disorder. Also called: MET-related condition.

Allele frequency attached by ClinVar (database versions not stated): ExAC 0.00002; TOPMed 0.00003.
gnomAD v4.1: 15 of 1,613,210 alleles (0.00093%); highest among the groups gnomAD compares: Admixed American, 0.0033%; no homozygotes.

Submissions (3):

Labcorp Genetics (formerly Invitae), Labcorp
Classification: Likely benign for Renal cell carcinoma. Last evaluated: 2026-01-12. Review status: criteria provided, single submitter. Criteria: Invitae Variant Classification Sherloc (09022015). Collection method: clinical testing. Allele origin: germline.

PreventionGenetics, part of Exact Sciences
Classification: Likely benign for MET-related condition. Last evaluated: 2025-08-19. Review status: criteria provided, single submitter. Criteria: ACMG Guidelines, 2015. Collection method: clinical testing. Allele origin: germline.
Comment: This variant is classified as likely benign based on ACMG/AMP sequence variant interpretation guidelines (Richards et al. 2015 PMID: 25741868, with internal and published modifications).

Myriad Genetics, Inc.
Classification: Likely benign for Papillary renal cell carcinoma type 1. Last evaluated: 2024-11-13. Review status: criteria provided, single submitter. Criteria: Myriad Autosomal Dominant, Autosomal Recessive and X-Linked Classification Criteria (2023). Collection method: clinical testing. Allele origin: unknown.
Comment: This variant is considered likely benign. This variant is intronic and is not expected to impact mRNA splicing.